The following is an entry in ClinVar:

NM_001854.4(COL11A1):c.4335C>A (p.Asp1445Glu)

Gene: COL11A1 (collagen type XI alpha 1 chain; minus strand). Cytogenetic location: 1p21.1.
Variant type: single nucleotide variant.
Coding change: c.4335C>A on transcript NM_001854.4 (MANE Select); coding-DNA position 4335, C replaced by A.
Protein change: p.Asp1445Glu; replaces aspartic acid 1445 with glutamic acid.
Molecular consequence: missense variant. On other transcripts: non-coding transcript variant (1).
Genome position (GRCh38, 1-based): chr1:102,890,472, G>T on the plus strand (C>A on the coding strand, the complement: COL11A1 is on the minus strand). VCF-style: chr1-102890472-G-T. GRCh37 (hg19) VCF-style: chr1-103356028-G-T.
Other names: c.3987C>A, p.Asp1329Glu (NM_001168249.1, NM_080630.4); c.4218C>A, p.Asp1406Glu (NM_001190709.2); c.4371C>A, p.Asp1457Glu (NM_080629.3); short protein forms D1329E, D1406E, D1445E, D1457E.
Identifiers: ClinVar variation 2756255 (VCV002756255.3), dbSNP rs1570640817, ClinGen allele CA341212859.

ClinVar aggregate classification (germline): Uncertain significance (1 of 4 stars; one submission).

Submission:

Labcorp Genetics (formerly Invitae), Labcorp
Classification: Uncertain significance. Last evaluated: 2023-10-26. Review status: criteria provided, single submitter. Criteria: Invitae Variant Classification Sherloc (09022015). Collection method: clinical testing. Allele origin: germline.
Comment: This sequence change replaces aspartic acid, which is acidic and polar, with glutamic acid, which is acidic and polar, at codon 1445 of the COL11A1 protein (p.Asp1445Glu). This variant is not present in population databases (gnomAD no frequency). This variant has not been reported in the literature in individuals affected with COL11A1-related conditions. Advanced modeling of protein sequence and biophysical properties (such as structural, functional, and spatial information, amino acid conservation, physicochemical variation, residue mobility, and thermodynamic stability) performed at Invitae indicates that this missense variant is not expected to disrupt COL11A1 protein function with a negative predictive value of 95%. In summary, the available evidence is currently insufficient to determine the role of this variant in disease. Therefore, it has been classified as a Variant of Uncertain Significance.